The following is an entry in ClinVar:

NM_001148.6(ANK2):c.8815A>G (p.Ser2939Gly)

Gene: ANK2 (ankyrin 2; plus strand). Cytogenetic location: 4q26.
Variant type: single nucleotide variant.
Coding change: c.8815A>G on transcript NM_001148.6 (MANE Select); coding-DNA position 8815, A replaced by G.
Protein change: p.Ser2939Gly; replaces serine 2939 with glycine.
Molecular consequence: missense variant. On other transcripts: intron variant (68).
Genome position (GRCh38, 1-based): chr4:113,357,433, A>G. VCF-style: chr4-113357433-A-G. GRCh37 (hg19) VCF-style: chr4-114278589-A-G.
Other names: c.4265-3390A>G (NM_001354262.2, NM_001354275.2, NM_001354245.2); c.4202-3390A>G (NM_001354253.2, NM_001354270.2); c.4166-3390A>G (NM_001354257.2, NM_001386156.1); c.4241-3390A>G (NM_001354249.2, NM_001354266.2, NM_001354276.2 and 2 more transcripts); c.4208-3390A>G (NM_001386146.1, NM_001386150.1, NM_001386149.1 and 1 more transcripts); c.4193-3390A>G (NM_001354274.2, NM_001386154.1); c.4142-3390A>G (NM_001386151.1, NM_001354260.2, NM_001354271.2); c.4043-3390A>G (NM_001386157.1, NM_001354277.2); and 35 more; short protein forms S2861G, S1739G, S2939G, S2986G, S2978G.
Identifiers: ClinVar variation 3730194 (VCV003730194.2).

ClinVar aggregate classification (germline): Uncertain significance (1 of 4 stars; one submission).

Conditions:
Long QT syndrome (LQTS). Identifiers: MedGen C0023976, MeSH D008133, MONDO:0002442. Disease mechanism: loss of function. Inheritance: Various modes of inheritance.

gnomAD v4.1: 1 of 1,614,104 alleles (0.000062%); highest among the groups gnomAD compares: East Asian, 0.0022%; no homozygotes.

Submission:

Labcorp Genetics (formerly Invitae), Labcorp
Classification: Uncertain significance for Long QT syndrome. Last evaluated: 2024-09-01. Review status: criteria provided, single submitter. Criteria: Invitae Variant Classification Sherloc (09022015). Collection method: clinical testing. Allele origin: germline.
Comment: This sequence change replaces serine, which is neutral and polar, with glycine, which is neutral and non-polar, at codon 2939 of the ANK2 protein (p.Ser2939Gly). This variant is not present in population databases (gnomAD no frequency). This variant has not been reported in the literature in individuals affected with ANK2-related conditions. An algorithm developed to predict the effect of missense changes on protein structure and function outputs the following: PolyPhen-2: "Benign". The glycine amino acid residue is found in multiple mammalian species, which suggests that this missense change does not adversely affect protein function. In summary, the available evidence is currently insufficient to determine the role of this variant in disease. Therefore, it has been classified as a Variant of Uncertain Significance.